The following is an entry in ClinVar:

ClinVar aggregate classification (germline): Likely benign (0 of 4 stars; one submission).

Conditions:
GAPVD1-related disorder. Also called: GAPVD1-related condition.

Allele frequency attached by ClinVar (database versions not stated): ExAC 0.00002; gnomAD exomes 0.00002; ESP Exome Variant Server 0.00008.
gnomAD v4.1: 22 of 1,603,398 alleles (0.0014%); highest among the groups gnomAD compares: Non-Finnish European, 0.0019%; no homozygotes.

Submission:

PreventionGenetics, part of Exact Sciences
Classification: Likely benign for GAPVD1-related condition. Last evaluated: 2022-06-22. Review status: no assertion criteria provided. Collection method: clinical testing. Allele origin: germline.
Comment: This variant is classified as likely benign based on ACMG/AMP sequence variant interpretation guidelines (Richards et al. 2015 PMID: 25741868, with internal and published modifications).

NM_001282680.3(GAPVD1):c.2428+10G>A

Gene: GAPVD1 (GTPase activating protein and VPS9 domains 1; plus strand). Cytogenetic location: 9q33.3.
Variant type: single nucleotide variant.
Coding change: c.2428+10G>A on transcript NM_001282680.3 (MANE Select); 10 bases into the intron after coding-DNA position 2428, G replaced by A.
Molecular consequence: intron variant.
Genome position (GRCh38, 1-based): chr9:125,332,639, G>A. VCF-style: chr9-125332639-G-A. GRCh37 (hg19) VCF-style: chr9-128094918-G-A.
Other names: c.2428+10G>A (NM_001354296.2, NM_001354301.2, NM_001354299.2 and 6 more transcripts); c.2365+10G>A (NM_001354297.2, NM_001354300.2, NM_001330777.3 and 1 more transcripts).
Identifiers: ClinVar variation 3046805 (VCV003046805.2), dbSNP rs373263326, ClinGen allele CA5240408.